The following is an entry in ClinVar:

NM_001353345.2(SETD1B):c.1718G>A (p.Ser573Asn)

Gene: SETD1B (SET domain containing 1B, histone lysine methyltransferase; plus strand). Cytogenetic location: 12q24.31.
Variant type: single nucleotide variant.
Coding change: c.1718G>A on transcript NM_001353345.2 (MANE Select); coding-DNA position 1718, G replaced by A.
Protein change: p.Ser573Asn; replaces serine 573 with asparagine.
Molecular consequence: missense variant.
Genome position (GRCh38, 1-based): chr12:121,810,663, G>A. VCF-style: chr12-121810663-G-A. GRCh37 (hg19) VCF-style: chr12-122248569-G-A.
Other names: short protein forms S573N.
Identifiers: ClinVar variation 3343112 (VCV003343112.1).

ClinVar aggregate classification (germline): Uncertain significance (1 of 4 stars; one submission).

Submission:

GeneDx
Classification: Uncertain significance. Last evaluated: 2023-04-13. Review status: criteria provided, single submitter. Criteria: GeneDx Variant Classification Process June 2021. Collection method: clinical testing. Allele origin: germline. Affected: yes.
Comment: Not observed at significant frequency in large population cohorts (gnomAD); In silico analysis supports that this missense variant does not alter protein structure/function; Has not been previously published as pathogenic or benign to our knowledge